The following is an entry in ClinVar:

ClinVar aggregate classification (germline): Likely pathogenic (1 of 4 stars; one submission).

Conditions:
Keratosis follicularis (DAR). Also called: Darier disease; Darier's disease. Identifiers: Orphanet 218, MedGen C0022595, MONDO:0007417, OMIM 124200.

Submission:

Clinical Genomics Laboratory, Washington University in St. Louis
Classification: Likely pathogenic for Keratosis follicularis. Last evaluated: 2024-07-12. Review status: criteria provided, single submitter. Criteria: Leon-Quintero et al. (Clin Genet. 2025). Collection method: clinical testing. Allele origin: somatic. Affected: yes.
Comment: An ATP2A2 c.2741_2741+1delinsAA variant was identified at an allelic fraction consistent with somatic origin. This variant, to our knowledge, has not been reported in the medical literature and is absent from the general population (gnomAD v.4.1.0), indicating it is not a common variant. The ATP2A2 c.2741_2741+1delinsAA variant is a dinucleotide substitution that occurs at the last base of the exon and the first base of the canonical splice donor site, which is expected to result in abnormal splicing. A similar variant within this specific canonical splice donor site ATP2A2 c.2741+1G>T has been reported in an individual affected with Darier disease (Green EK et al., PMID: 23356892; Gordon-Smith K et al., PMID: 30345710). Based on available information and an internally developed protocol informed by the ACMG/AMP guidelines for variant interpretation (Leon-Quintero FZ et al., PMID: 39434542), the ATP2A2 c.2741_2741+1delinsAA variant is classified as likely pathogenic.

NM_170665.4(ATP2A2):c.2741_2741+1delinsAA

Genes: ATP2A2 (ATPase sarcoplasmic/endoplasmic reticulum Ca2+ transporting 2; plus strand), LOC126861638 (MED14-independent group 3 enhancer GRCh37_chr12:110782389-110783588; plus strand). Cytogenetic location: 12q24.11.
Variant type: Indel.
Coding change: c.2741_2741+1delinsAA on transcript NM_170665.4 (MANE Select); coding-DNA position 2741 through the canonical splice donor site of the intron after coding-DNA position 2741, GG replaced by AA.
Molecular consequence: splice donor variant.
Genome position (GRCh38, 1-based): chr12:110,345,382-110,345,383, GG replaced by AA. VCF-style: chr12-110345382-GG-AA. GRCh37 (hg19) VCF-style: chr12-110783187-GG-AA.
Other names: c.2366_2366+1delinsAA (NM_001413015.1); c.2741_2741+1delinsAA (NM_001413014.1, NM_001681.4); c.2636_2636+1delinsAA (NM_001413013.1).
Identifiers: ClinVar variation 3774488 (VCV003774488.1).